The following is an entry in ClinVar:

ClinVar aggregate classification (germline): Likely pathogenic. Review status: criteria provided, multiple submitters, no conflicts (2 of 4 stars). 2 submissions from 2 submitters: Likely pathogenic (2). Last evaluated 2025-07-24.

Conditions:
Hereditary cancer-predisposing syndrome. Also called: Neoplastic Syndromes, Hereditary; Hereditary Cancer Syndrome; Hereditary neoplastic syndrome; Tumor predisposition. Identifiers: Orphanet 140162, MedGen C0027672, MeSH D009386, MONDO:0015356.
Familial cancer of breast. Also called: Hereditary breast cancer; hereditary breast carcinoma; BREAST CANCER, FAMILIAL. Identifiers: Orphanet 227535, MedGen C0346153, MONDO:0016419, OMIM 114480. Disease mechanism: loss of function.

gnomAD v4.1: 1 of 1,601,644 alleles (0.000062%); highest among the groups gnomAD compares: East Asian, 0.0022%; no homozygotes.

Submissions (2):

Ambry Genetics
Classification: Likely pathogenic for Hereditary cancer-predisposing syndrome. Last evaluated: 2025-07-24. Review status: criteria provided, single submitter. Criteria: Ambry Variant Classification Scheme 2023. Collection method: clinical testing. Allele origin: germline.
Comment: The c.1677+1G>A intronic variant results from a G to A substitution one nucleotide after coding exon 7 of the BARD1 gene. This nucleotide position is highly conserved in available vertebrate species. In silico splice site analysis predicts that this alteration will weaken the native splice donor site; however, direct evidence is insufficient at this time (Ambry internal data). Alterations that disrupt the canonical splice site are expected to cause aberrant splicing, resulting in an abnormal protein or a transcript that is subject to nonsense-mediated mRNA decay. As such, this alteration is classified as likely pathogenic.

Myriad Genetics, Inc.
Classification: Likely pathogenic for Familial cancer of breast. Last evaluated: 2023-05-23. Review status: criteria provided, single submitter. Criteria: Myriad Autosomal Dominant, Autosomal Recessive and X-Linked Classification Criteria (2023). Collection method: clinical testing. Allele origin: unknown.
Comment: This variant is considered likely pathogenic. This variant occurs within a consensus splice junction and is predicted to result in abnormal mRNA splicing of either an out-of-frame exon or an in-frame exon necessary for protein stability and/or normal function.

NM_000465.4(BARD1):c.1677+1G>A

Gene: BARD1 (BRCA1 associated RING domain 1; minus strand). Cytogenetic location: 2q35.
Variant type: single nucleotide variant.
Coding change: c.1677+1G>A on transcript NM_000465.4 (MANE Select); the canonical splice donor site of the intron after coding-DNA position 1677, G replaced by A.
Molecular consequence: splice donor variant. On other transcripts: intron variant (1).
Genome position (GRCh38, 1-based): chr2:214,752,446, C>T on the plus strand (G>A on the coding strand, the complement: BARD1 is on the minus strand). VCF-style: chr2-214752446-C-T. GRCh37 (hg19) VCF-style: chr2-215617170-C-T.
Other names: c.267+1G>A (NM_001282548.2); c.1620+1G>A (NM_001282543.2); c.324+1G>A (NM_001282545.2); c.365-21938G>A (NM_001282549.2).
Identifiers: ClinVar variation 2565193 (VCV002565193.5), dbSNP rs1060501310, ClinGen allele CA350454493.